The following is an entry in ClinVar:

NM_000057.4(BLM):c.2878T>C (p.Phe960Leu)

Gene: BLM (BLM RecQ like helicase; plus strand). Cytogenetic location: 15q26.1.
Variant type: single nucleotide variant.
Coding change: c.2878T>C on transcript NM_000057.4 (MANE Select); coding-DNA position 2878, T replaced by C.
Protein change: p.Phe960Leu; replaces phenylalanine 960 with leucine.
Molecular consequence: missense variant.
Genome position (GRCh38, 1-based): chr15:90,790,703, T>C. VCF-style: chr15-90790703-T-C. GRCh37 (hg19) VCF-style: chr15-91333933-T-C.
Other names: c.2878T>C, p.Phe960Leu (NM_001287246.2, NM_001287247.2); c.1753T>C, p.Phe585Leu (NM_001287248.2); c.2878T>C (NM_000057.3); short protein forms F585L, F960L.
Identifiers: ClinVar variation 1797128 (VCV001797128.5), dbSNP rs760842454, ClinGen allele CA7738891.

ClinVar aggregate classification (germline): Uncertain significance. Review status: criteria provided, single submitter (1 of 4 stars). 2 submissions from 2 submitters: Uncertain significance (1). 1 of the submissions does not count toward it. Last evaluated 2024-07-19.

Conditions:
BLM-related disorder. Also called: BLM-related condition.
Hereditary cancer-predisposing syndrome. Also called: Tumor predisposition; Hereditary Cancer Syndrome; Neoplastic Syndromes, Hereditary; Hereditary neoplastic syndrome. Identifiers: Orphanet 140162, MedGen C0027672, MeSH D009386, MONDO:0015356.

Allele frequency attached by ClinVar (database versions not stated): ExAC 0.00001; gnomAD exomes 0.00001.
gnomAD v4.1: 5 of 1,614,194 alleles (0.00031%); highest among the groups gnomAD compares: Admixed American, 0.0017%; no homozygotes.

Submissions (2):

Ambry Genetics
Classification: Uncertain significance for Hereditary cancer-predisposing syndrome. Last evaluated: 2024-07-19. Review status: criteria provided, single submitter. Criteria: Ambry Variant Classification Scheme 2023. Collection method: clinical testing. Allele origin: germline.
Comment: The p.F960L variant (also known as c.2878T>C), located in coding exon 14 of the BLM gene, results from a T to C substitution at nucleotide position 2878. The phenylalanine at codon 960 is replaced by leucine, an amino acid with highly similar properties. This amino acid position is conserved. In addition, the in silico prediction for this alteration is inconclusive. Since supporting evidence is limited at this time, the clinical significance of this alteration remains unclear.

PreventionGenetics, part of Exact Sciences
Classification: Uncertain significance for BLM-related condition. Last evaluated: 2024-05-21. Review status: no assertion criteria provided. Collection method: clinical testing. Allele origin: germline. Not counted in ClinVar's aggregate classification.
Comment: The BLM c.2878T>C variant is predicted to result in the amino acid substitution p.Phe960Leu. To our knowledge, this variant has not been reported in the literature. This variant is reported in 0.0029% of alleles in individuals of Latino descent in gnomAD. At this time, the clinical significance of this variant is uncertain due to the absence of conclusive functional and genetic evidence.